The following is an entry in ClinVar:

ClinVar aggregate classification (germline): Uncertain significance (1 of 4 stars; one submission).

Submission:

Labcorp Genetics (formerly Invitae), Labcorp
Classification: Uncertain significance. Last evaluated: 2022-06-03. Review status: criteria provided, single submitter. Criteria: Invitae Variant Classification Sherloc (09022015). Collection method: clinical testing. Allele origin: germline.
Comment: Algorithms developed to predict the effect of missense changes on protein structure and function (SIFT, PolyPhen-2, Align-GVGD) all suggest that this variant is likely to be tolerated. In summary, the available evidence is currently insufficient to determine the role of this variant in disease. Therefore, it has been classified as a Variant of Uncertain Significance. ClinVar contains an entry for this variant (Variation ID: 971452). This variant has not been reported in the literature in individuals affected with USH2A-related conditions. This variant is not present in population databases (gnomAD no frequency). This sequence change replaces serine, which is neutral and polar, with glycine, which is neutral and non-polar, at codon 4512 of the USH2A protein (p.Ser4512Gly).

NM_206933.4(USH2A):c.13534A>G (p.Ser4512Gly)

Gene: USH2A (usherin; minus strand). Cytogenetic location: 1q41.
Variant type: single nucleotide variant.
Coding change: c.13534A>G on transcript NM_206933.4 (MANE Select); coding-DNA position 13534, A replaced by G.
Protein change: p.Ser4512Gly; replaces serine 4512 with glycine.
Molecular consequence: missense variant.
Genome position (GRCh38, 1-based): chr1:215,674,377, T>C on the plus strand (A>G on the coding strand, the complement: USH2A is on the minus strand). VCF-style: chr1-215674377-T-C. GRCh37 (hg19) VCF-style: chr1-215847719-T-C.
Other names: short protein forms S4512G.
Identifiers: ClinVar variation 971452 (VCV000971452.10), dbSNP rs1323696539, ClinGen allele CA344844798.